The following is an entry in ClinVar:

ClinVar aggregate classification (germline): Uncertain significance (1 of 4 stars; one submission).

Allele frequency attached by ClinVar (database versions not stated): TOPMed below 0.00001; ExAC 0.00001; gnomAD exomes 0.00001 and 0.00002.
gnomAD v4.1: 5 of 1,606,492 alleles (0.00031%); highest among the groups gnomAD compares: Admixed American, 0.0083%; no homozygotes.

Submission:

Labcorp Genetics (formerly Invitae), Labcorp
Classification: Uncertain significance. Last evaluated: 2024-11-11. Review status: criteria provided, single submitter. Criteria: Invitae Variant Classification Sherloc (09022015). Collection method: clinical testing. Allele origin: germline.
Comment: This sequence change replaces aspartic acid, which is acidic and polar, with asparagine, which is neutral and polar, at codon 170 of the FBLN5 protein (p.Asp170Asn). This variant is present in population databases (rs775989591, gnomAD 0.009%). This variant has not been reported in the literature in individuals affected with FBLN5-related conditions. ClinVar contains an entry for this variant (Variation ID: 1421291). Invitae Evidence Modeling of protein sequence and biophysical properties (such as structural, functional, and spatial information, amino acid conservation, physicochemical variation, residue mobility, and thermodynamic stability) indicates that this missense variant is not expected to disrupt FBLN5 protein function with a negative predictive value of 80%. In summary, the available evidence is currently insufficient to determine the role of this variant in disease. Therefore, it has been classified as a Variant of Uncertain Significance.

NM_006329.4(FBLN5):c.508G>A (p.Asp170Asn)

Gene: FBLN5 (fibulin 5; minus strand). Cytogenetic location: 14q32.12.
Variant type: single nucleotide variant.
Coding change: c.508G>A on transcript NM_006329.4 (MANE Select); coding-DNA position 508, G replaced by A.
Protein change: p.Asp170Asn; replaces aspartic acid 170 with asparagine.
Molecular consequence: missense variant.
Genome position (GRCh38, 1-based): chr14:91,891,332, C>T on the plus strand (G>A on the coding strand, the complement: FBLN5 is on the minus strand). VCF-style: chr14-91891332-C-T. GRCh37 (hg19) VCF-style: chr14-92357676-C-T.
Other names: c.631G>A, p.Asp211Asn (NM_001384158.1); c.559G>A, p.Asp187Asn (NM_001384159.1); c.508G>A, p.Asp170Asn (NM_001384160.1); c.340G>A, p.Asp114Asn (NM_001384161.1, NM_001384162.1); short protein forms D187N, D114N, D170N, D211N.
Identifiers: ClinVar variation 1421291 (VCV001421291.6), dbSNP rs775989591, ClinGen allele CA7312808.